The following is an entry in ClinVar:

ClinVar aggregate classification (germline): Uncertain significance (1 of 4 stars; one submission).

Conditions:
Cardiovascular phenotype. Identifiers: MedGen CN230736.

gnomAD v4.1: 1 of 1,474,686 alleles (0.000068%); highest among the groups gnomAD compares: East Asian, 0.0026%; no homozygotes.

Submission:

Ambry Genetics
Classification: Uncertain significance for Cardiovascular phenotype. Last evaluated: 2025-06-17. Review status: criteria provided, single submitter. Criteria: Ambry Variant Classification Scheme 2023. Collection method: clinical testing. Allele origin: germline.
Comment: The p.R28W variant (also known as c.82C>T), located in coding exon 1 of the SOS2 gene, results from a C to T substitution at nucleotide position 82. The arginine at codon 28 is replaced by tryptophan, an amino acid with dissimilar properties. This amino acid position is conserved. In addition, this alteration is predicted to be deleterious by in silico analysis. Based on the available evidence, the clinical significance of this variant remains unclear.

NM_006939.4(SOS2):c.82C>T (p.Arg28Trp)

Genes: SOS2 (SOS Ras/Rho guanine nucleotide exchange factor 2; minus strand), LOC130055588 (ATAC-STARR-seq lymphoblastoid silent region 5718; plus strand). Cytogenetic location: 14q21.3.
Variant type: single nucleotide variant.
Coding change: c.82C>T on transcript NM_006939.4 (MANE Select); coding-DNA position 82, C replaced by T.
Protein change: p.Arg28Trp; replaces arginine 28 with tryptophan.
Molecular consequence: missense variant.
Genome position (GRCh38, 1-based): chr14:50,231,202, G>A on the plus strand (C>T on the coding strand, the complement: SOS2 is on the minus strand). VCF-style: chr14-50231202-G-A. GRCh37 (hg19) VCF-style: chr14-50697920-G-A.
Other names: c.82C>T, p.Arg28Trp (NM_001411020.1); short protein forms R28W.
Identifiers: ClinVar variation 4172002 (VCV004172002.1).